The following is an entry in ClinVar:

NM_001034853.2(RPGR):c.109C>T (p.Pro37Ser)

Gene: RPGR (retinitis pigmentosa GTPase regulator; minus strand). Cytogenetic location: Xp11.4.
Variant type: single nucleotide variant.
Coding change: c.109C>T on transcript NM_001034853.2 (MANE Select); coding-DNA position 109, C replaced by T.
Protein change: p.Pro37Ser; replaces proline 37 with serine.
Molecular consequence: missense variant. On other transcripts: non-coding transcript variant (6).
Genome position (GRCh38, 1-based): chrX:38,323,444, G>A on the plus strand (C>T on the coding strand, the complement: RPGR is on the minus strand). VCF-style: chrX-38323444-G-A. GRCh37 (hg19) VCF-style: chrX-38182697-G-A.
Other names: c.109C>T (NM_000328.2); c.109C>T, p.Pro37Ser (NM_000328.3, NM_001367245.1, NM_001367246.1 and 4 more transcripts); c.139C>T, p.Pro47Ser (NM_001367248.1); short protein forms P47S, P37S.
Identifiers: ClinVar variation 2037102 (VCV002037102.5), dbSNP rs1027214389, ClinGen allele CA327941610.
Genomic context (GRCh38, chrX:38,323,444, plus strand): 5'-GATTGTAATACTAACCGGTAACAACAGCAGAATGTTCATCTCCACATGAAAGATGTACAG[G>A]GACATCATTTTTAAACCAGAATTTACCGGGATTATTTTCAGCAAATTTACTTTTCCCAAA-3'
Protein context (NP_001030025.1, residues 27-47): PGKFWFKNDV[Pro37Ser]VHLSCGDEHS

ClinVar aggregate classification (germline): Uncertain significance. Review status: criteria provided, multiple submitters, no conflicts (2 of 4 stars). 2 submissions from 2 submitters: Uncertain significance (2). Last evaluated 2025-10-13.

Conditions:
Primary ciliary dyskinesia. Also called: Ciliary dyskinesia. Identifiers: Orphanet 244, MedGen C0008780, MONDO:0016575, HP:0012265.

Allele frequency attached by ClinVar (database versions not stated): gnomAD exomes below 0.00001; TOPMed 0.00001; gnomAD 0.00002.
gnomAD v4.1: 5 of 1,204,700 alleles (0.00042%); highest among the groups gnomAD compares: African/African-American, 0.0018%; no homozygotes.

Submissions (2):

Labcorp Genetics (formerly Invitae), Labcorp
Classification: Uncertain significance for Primary ciliary dyskinesia. Last evaluated: 2025-10-13. Review status: criteria provided, single submitter. Criteria: Invitae Variant Classification Sherloc (09022015). Collection method: clinical testing. Allele origin: germline.
Comment: This sequence change replaces proline, which is neutral and non-polar, with serine, which is neutral and polar, at codon 37 of the RPGR protein (p.Pro37Ser). This variant is present in population databases (no rsID available, gnomAD 0.001%). This variant has not been reported in the literature in individuals affected with RPGR-related conditions. ClinVar contains an entry for this variant (Variation ID: 2037102). Invitae Evidence Modeling of protein sequence and biophysical properties (such as structural, functional, and spatial information, amino acid conservation, physicochemical variation, residue mobility, and thermodynamic stability) has been performed for this missense variant. However, the output from this modeling did not meet the statistical confidence thresholds required to predict the impact of this variant on RPGR protein function. In summary, the available evidence is currently insufficient to determine the role of this variant in disease. Therefore, it has been classified as a Variant of Uncertain Significance.

Ambry Genetics
Classification: Uncertain significance for Primary ciliary dyskinesia. Last evaluated: 2024-01-08. Review status: criteria provided, single submitter. Criteria: Ambry Variant Classification Scheme 2023. Collection method: clinical testing. Allele origin: germline.
Comment: The p.P37S variant (also known as c.109C>T), located in coding exon 2 of the RPGR gene, results from a C to T substitution at nucleotide position 109. The proline at codon 37 is replaced by serine, an amino acid with similar properties. This amino acid position is conserved. In addition, the in silico prediction for this alteration is inconclusive. Since supporting evidence is limited at this time, the clinical significance of this alteration remains unclear.